The following is an entry in ClinVar:

NM_005633.4(SOS1):c.2103C>G (p.Phe701Leu)

Gene: SOS1 (SOS Ras/Rac guanine nucleotide exchange factor 1; minus strand). Cytogenetic location: 2p22.1.
Variant type: single nucleotide variant.
Coding change: c.2103C>G on transcript NM_005633.4 (MANE Select); coding-DNA position 2103, C replaced by G.
Protein change: p.Phe701Leu; replaces phenylalanine 701 with leucine.
Molecular consequence: missense variant.
Genome position (GRCh38, 1-based): chr2:39,013,524, G>C on the plus strand (C>G on the coding strand, the complement: SOS1 is on the minus strand). VCF-style: chr2-39013524-G-C. GRCh37 (hg19) VCF-style: chr2-39240665-G-C.
Other names: c.2103C>G (NM_005633.3); c.2082C>G, p.Phe694Leu (NM_001382394.1); c.2103C>G, p.Phe701Leu (NM_001382395.1); short protein forms F701L, F694L.
Identifiers: ClinVar variation 1439224 (VCV001439224.8), dbSNP rs2124517580, ClinGen allele CA346364641.

ClinVar aggregate classification (germline): Uncertain significance. Review status: criteria provided, multiple submitters, no conflicts (2 of 4 stars). 2 submissions from 2 submitters: Uncertain significance (2). Last evaluated 2025-11-24.

Conditions:
RASopathy. Also called: Noonan spectrum disorder; rasopathies. Identifiers: Orphanet 536391, MedGen C5555857, MONDO:0021060.

Submissions (2):

GeneDx
Classification: Uncertain significance. Last evaluated: 2025-11-24. Review status: criteria provided, single submitter. Criteria: GeneDx Variant Classification Process June 2021. Collection method: clinical testing. Allele origin: germline.
Comment: Not observed at significant frequency in large population cohorts (gnomAD); Missense variants in this gene are a common cause of disease and they are underrepresented in the general population; In silico analysis supports that this missense variant has a deleterious effect on protein structure/function; Has not been previously published as pathogenic or benign to our knowledge; This variant is associated with the following publications: (PMID: 29493581)

Labcorp Genetics (formerly Invitae), Labcorp
Classification: Uncertain significance for RASopathy. Last evaluated: 2021-11-05. Review status: criteria provided, single submitter. Criteria: Invitae Variant Classification Sherloc (09022015). Collection method: clinical testing. Allele origin: germline.
Comment: In summary, the available evidence is currently insufficient to determine the role of this variant in disease. Therefore, it has been classified as a Variant of Uncertain Significance. Advanced modeling of protein sequence and biophysical properties (such as structural, functional, and spatial information, amino acid conservation, physicochemical variation, residue mobility, and thermodynamic stability) performed at Invitae indicates that this missense variant is expected to disrupt SOS1 protein function. This variant has not been reported in the literature in individuals affected with SOS1-related conditions. This variant is not present in population databases (gnomAD no frequency). This sequence change replaces phenylalanine, which is neutral and non-polar, with leucine, which is neutral and non-polar, at codon 701 of the SOS1 protein (p.Phe701Leu).